The following is an entry in ClinVar:

NM_000098.3(CPT2):c.353A>G (p.Asp118Gly)

Gene: CPT2 (carnitine palmitoyltransferase 2; plus strand). Cytogenetic location: 1p32.3.
Variant type: single nucleotide variant.
Coding change: c.353A>G on transcript NM_000098.3 (MANE Select); coding-DNA position 353, A replaced by G.
Protein change: p.Asp118Gly; replaces aspartic acid 118 with glycine.
Molecular consequence: missense variant.
Genome position (GRCh38, 1-based): chr1:53,210,027, A>G. VCF-style: chr1-53210027-A-G. GRCh37 (hg19) VCF-style: chr1-53675699-A-G.
Other names: p.D118G:GAT>GGT; c.353A>G, p.Asp118Gly (NM_001330589.2); short protein forms D118G.
Identifiers: ClinVar variation 203666 (VCV000203666.35), dbSNP rs148035648, ClinGen allele CA312436.

ClinVar aggregate classification (germline): Conflicting classifications of pathogenicity. Review status: criteria provided, conflicting classifications (1 of 4 stars). 8 submissions from 8 submitters: Uncertain significance (1); Benign (2); Likely benign (4). 1 of the submissions does not count toward it. Last evaluated 2026-06-01.

Conditions:
CPT2-related disorder. Also called: CPT2-related condition.
Carnitine palmitoyltransferase II deficiency. Also called: Carnitine Palmitoyltransferase 2 Deficiency. Identifiers: Orphanet 157, MedGen C0342790, MONDO:0015515.

Allele frequency attached by ClinVar (database versions not stated): ESP Exome Variant Server 0.00015; gnomAD exomes 0.00045 and 0.00203; gnomAD 0.00084 and 0.00085; 1000 Genomes Project 0.00100; 1000 Genomes Project 30x 0.00141; TOPMed 0.00150; ExAC 0.00165.
gnomAD v4.1: 768 of 1,613,310 alleles (0.048%); highest among the groups gnomAD compares: Admixed American, 1.2%; 6 homozygotes.

Submissions (8):

CeGaT Center for Human Genetics Tuebingen
Classification: Likely benign. Last evaluated: 2026-06-01. Review status: criteria provided, single submitter. Criteria: CeGaT Center For Human Genetics Tuebingen Variant Classification Criteria Version 2. Collection method: clinical testing. Allele origin: germline. Affected: yes. Observed: 3 variant alleles.
Comment: CPT2: BS1

Labcorp Genetics (formerly Invitae), Labcorp
Classification: Benign for Carnitine palmitoyltransferase II deficiency. Last evaluated: 2026-02-04. Review status: criteria provided, single submitter. Criteria: Invitae Variant Classification Sherloc (09022015). Collection method: clinical testing. Allele origin: germline.

Mayo Clinic Laboratories, Mayo Clinic
Classification: Likely benign. Last evaluated: 2025-04-24. Review status: criteria provided, single submitter. Criteria: ACMG Guidelines, 2015. Collection method: clinical testing. Allele origin: germline. Observed: 6 variant alleles.
Comment: BS1, BS2_supporting, PP3

ARUP Laboratories, Molecular Genetics and Genomics, ARUP Laboratories
Classification: Likely benign. Last evaluated: 2024-10-28. Review status: criteria provided, single submitter. Criteria: ARUP Molecular Germline Variant Investigation Process 2024. Collection method: clinical testing. Allele origin: germline.

Women's Health and Genetics/Laboratory Corporation of America, LabCorp
Classification: Likely benign. Last evaluated: 2021-12-10. Review status: criteria provided, single submitter. Criteria: LabCorp Variant Classification Summary - May 2015. Collection method: clinical testing. Allele origin: germline.

GeneDx
Classification: Benign. Last evaluated: 2018-04-30. Review status: criteria provided, single submitter. Criteria: GeneDx Variant Classification Process June 2021. Collection method: clinical testing. Allele origin: germline. Affected: yes.

Center for Pediatric Genomic Medicine, Children's Mercy Hospital and Clinics
Classification: Uncertain significance. Last evaluated: 2016-10-25. Review status: criteria provided, single submitter. Criteria: ACMG Guidelines, 2015. Collection method: clinical testing. Allele origin: germline.
ClinVar note: Converted during submission from Uncertain Significance to Uncertain significance.

PreventionGenetics, part of Exact Sciences
Classification: Benign for CPT2-related condition. Last evaluated: 2019-07-24. Review status: no assertion criteria provided. Collection method: clinical testing. Allele origin: germline. Not counted in ClinVar's aggregate classification.
Comment: This variant is classified as benign based on ACMG/AMP sequence variant interpretation guidelines (Richards et al. 2015 PMID: 25741868, with internal and published modifications).